The following is an entry in ClinVar:

NM_002458.3(MUC5B):c.13115C>T (p.Thr4372Met)

Gene: MUC5B (mucin 5B, oligomeric mucus/gel-forming; plus strand). Cytogenetic location: 11p15.5.
Variant type: single nucleotide variant.
Coding change: c.13115C>T on transcript NM_002458.3 (MANE Select); coding-DNA position 13115, C replaced by T.
Protein change: p.Thr4372Met; replaces threonine 4372 with methionine.
Molecular consequence: missense variant.
Genome position (GRCh38, 1-based): chr11:1,249,995, C>T. VCF-style: chr11-1249995-C-T. GRCh37 (hg19) VCF-style: chr11-1271225-C-T.
Other names: short protein forms T4372M.
Identifiers: ClinVar variation 2232476 (VCV002232476.27), dbSNP rs562392113, ClinGen allele CA5808207.
Genomic context (GRCh38, chr11:1,249,995, plus strand): 5'-ACCCCTCCTCCACTCCGGAGACCACCCACACCTCCACAGTGCTGACCACGAAGGCCACCA[C>T]GACAAGGGCCACCAGTTCCACGTCCACCCCCTCCTCCACTCCGGGGACGACCTGGATCCT-3'
Protein context (NP_002449.2, residues 4362-4382): TSTVLTTKAT[Thr4372Met]TRATSSTSTP

ClinVar aggregate classification (germline): Conflicting classifications of pathogenicity. Review status: criteria provided, conflicting classifications (1 of 4 stars). 2 submissions from 2 submitters: Uncertain significance (1); Likely benign (1). Last evaluated 2024-09-27.

Allele frequency attached by ClinVar (database versions not stated): gnomAD 0.00022; TOPMed 0.00031.
gnomAD v4.1: 472 of 1,611,532 alleles (0.029%); highest among the groups gnomAD compares: Non-Finnish European, 0.036%; no homozygotes.

Submissions (2):

Ambry Genetics
Classification: Uncertain significance. Last evaluated: 2024-09-27. Review status: criteria provided, single submitter. Criteria: Ambry Variant Classification Scheme 2023. Collection method: clinical testing. Allele origin: germline.

CeGaT Center for Human Genetics Tuebingen
Classification: Likely benign. Last evaluated: 2023-11-01. Review status: criteria provided, single submitter. Criteria: CeGaT Center For Human Genetics Tuebingen Variant Classification Criteria Version 2. Collection method: clinical testing. Allele origin: germline. Affected: yes. Observed: 2 variant alleles.
Comment: MUC5B: BP4